The following is an entry in ClinVar:

ClinVar aggregate classification (germline): Benign (1 of 4 stars; one submission).

Conditions:
Combined oxidative phosphorylation defect type 8. Also called: CARDIOMYOPATHY, HYPERTROPHIC MITOCHONDRIAL, FATAL INFANTILE. Identifiers: Orphanet 319504, MedGen C4518839, MONDO:0013570, OMIM 614096.

Allele frequency attached by ClinVar (database versions not stated): 1000 Genomes Project 30x 0.86415; 1000 Genomes Project 0.86941; TOPMed 0.87139; gnomAD 0.87863 and 0.88447; gnomAD exomes 0.95805.
gnomAD v4.1: 330,508 of 356,620 alleles (93%); highest among the groups gnomAD compares: East Asian, 100%; 155,025 homozygotes.

Submission:

Illumina Laboratory Services, Illumina
Classification: Benign for Combined oxidative phosphorylation defect type 8. Last evaluated: 2018-01-12. Review status: criteria provided, single submitter. Criteria: ICSL Variant Classification Criteria 13 December 2019. Collection method: clinical testing. Allele origin: germline.
Comment: This variant was observed in the ICSL laboratory as part of a predisposition screen in an ostensibly healthy population. It had not been previously curated by ICSL or reported in the Human Gene Mutation Database (HGMD: prior to June 1st, 2018), and was therefore a candidate for classification through an automated scoring system. Utilizing variant allele frequency, disease prevalence and penetrance estimates, and inheritance mode, an automated score was calculated to assess if this variant is too frequent to cause the disease. Based on the score and internal cut-off values, a variant classified as benign is not then subjected to further curation. The score for this variant resulted in a classification of benign for this disease.

NM_020745.4(AARS2):c.*341G>A

Gene: AARS2 (alanyl-tRNA synthetase 2, mitochondrial; minus strand). Cytogenetic location: 6p21.1.
Variant type: single nucleotide variant.
Coding change: c.*341G>A on transcript NM_020745.4 (MANE Select); 341 bases downstream of the stop codon, G replaced by A.
Molecular consequence: 3 prime UTR variant.
Genome position (GRCh38, 1-based): chr6:44,300,206, C>T on the plus strand (G>A on the coding strand, the complement: AARS2 is on the minus strand). VCF-style: chr6-44300206-C-T. GRCh37 (hg19) VCF-style: chr6-44267943-C-T.
Identifiers: ClinVar variation 357050 (VCV000357050.5), dbSNP rs4714775, ClinGen allele CA10627050.
Genomic context (GRCh38, chr6:44,300,206, plus strand): 5'-ATTTTTTGTATTTTTAGTAGAGATGGGGTTTCACCATGTTAGCCAGGATGGTTTTGATCT[C>T]CTGACCTCATGATCTACCTGCCTCGGCCTCCCAAAGTGCTTGGATTACAGGTGTGAACCA-3'